The following is an entry in ClinVar:

NM_001374736.1(DST):c.3015C>A (p.Cys1005Ter)

Gene: DST (dystonin; minus strand). Cytogenetic location: 6p12.1.
Variant type: single nucleotide variant.
Coding change: c.3015C>A on transcript NM_001374736.1 (MANE Select); coding-DNA position 3015, C replaced by A.
Protein change: p.Cys1005Ter; replaces cysteine 1005 with a stop codon.
Molecular consequence: nonsense.
Genome position (GRCh38, 1-based): chr6:56,636,602, G>T on the plus strand (C>A on the coding strand, the complement: DST is on the minus strand). VCF-style: chr6-56636602-G-T. GRCh37 (hg19) VCF-style: chr6-56501400-G-T.
Other names: c.2916C>A, p.Cys972Ter (NM_001144769.5); c.2502C>A, p.Cys834Ter (NM_001144770.2); c.3015C>A, p.Cys1005Ter (NM_001374722.1); c.2382C>A, p.Cys794Ter (NM_001374729.1, NM_001374730.1, NM_001386100.1 and 1 more transcripts); c.3042C>A, p.Cys1014Ter (NM_001374734.1); c.1404C>A, p.Cys468Ter (NM_001723.7, NM_015548.5); short protein forms C1005*, C1014*, C468*, C794*, C834*, C972*.
Identifiers: ClinVar variation 1074760 (VCV001074760.7), dbSNP rs2152770295, ClinGen allele CA364576950.

ClinVar aggregate classification (germline): Pathogenic (1 of 4 stars; one submission).

Conditions:
Hereditary sensory and autonomic neuropathy type 6. Also called: Neuropathy, hereditary sensory and autonomic, type VI; HSAN VI. Identifiers: Orphanet 314381, MedGen C3539003, MONDO:0013839, OMIM 614653.
Epidermolysis bullosa simplex 3, localized or generalized intermediate, with BP230 deficiency (EBS3). Also called: Epidermolysis bullosa simplex due to BP230 deficiency; Epidermolysis bullosa simplex, autosomal recessive 2. Identifiers: Orphanet 412181, MedGen C3809470, MONDO:0014180, OMIM 615425.

Submission:

Labcorp Genetics (formerly Invitae), Labcorp
Classification: Pathogenic for Epidermolysis bullosa simplex 3, localized or generalized intermediate, with BP230 deficiency; Hereditary sensory and autonomic neuropathy type 6. Last evaluated: 2020-09-09. Review status: criteria provided, single submitter. Criteria: Invitae Variant Classification Sherloc (09022015). Collection method: clinical testing. Allele origin: germline.
Comment: This variant is not present in population databases (ExAC no frequency). For these reasons, this variant has been classified as Pathogenic. Loss-of-function variants in DST are known to be pathogenic (PMID: 22522446, 25059916, 30371979). This variant has not been reported in the literature in individuals with DST-related conditions. This sequence change creates a premature translational stop signal (p.Cys468*) in the DST gene. It is expected to result in an absent or disrupted protein product.

Literature cited by the submitters: PubMed 22522446; PubMed 25059916; PubMed 30371979.